The following is an entry in ClinVar:

ClinVar aggregate classification (germline): Uncertain significance. Review status: criteria provided, multiple submitters, no conflicts (2 of 4 stars). 4 submissions from 4 submitters: Uncertain significance (4). Last evaluated 2025-05-01.

Conditions:
Inborn genetic diseases. Identifiers: MedGen C0950123, MeSH D030342.
Retinal dystrophy. Also called: Inherited retinal dystrophy. Identifiers: Orphanet 71862, MedGen C0854723, MeSH D058499, MONDO:0019118, HP:0000556.

Allele frequency attached by ClinVar (database versions not stated): gnomAD 0.00001; ExAC 0.00003; gnomAD exomes 0.00003; TOPMed 0.00003; ESP Exome Variant Server 0.00008.

Submissions (4):

Ambry Genetics
Classification: Uncertain significance for Inborn genetic diseases. Last evaluated: 2025-05-01. Review status: criteria provided, single submitter. Criteria: Ambry Variant Classification Scheme 2023. Collection method: clinical testing. Allele origin: germline.

Blueprint Genetics
Classification: Uncertain significance. Last evaluated: 2024-01-12. Review status: criteria provided, single submitter. Criteria: ACMG Guidelines, 2015. Collection method: clinical testing. Allele origin: germline.

Dept Of Ophthalmology, Nagoya University
Classification: Uncertain significance for Retinal dystrophy. Last evaluated: 2023-10-01. Review status: criteria provided, single submitter. Criteria: Submitter's publication. Collection method: research. Allele origin: germline. Affected: yes.

Labcorp Genetics (formerly Invitae), Labcorp
Classification: Uncertain significance. Last evaluated: 2023-07-17. Review status: criteria provided, single submitter. Criteria: Invitae Variant Classification Sherloc (09022015). Collection method: clinical testing. Allele origin: germline.
Comment: ClinVar contains an entry for this variant (Variation ID: 1371880). This variant has not been reported in the literature in individuals affected with AGBL5-related conditions. This variant is present in population databases (rs3739090, gnomAD 0.01%). This sequence change replaces valine, which is neutral and non-polar, with methionine, which is neutral and non-polar, at codon 144 of the AGBL5 protein (p.Val144Met). An algorithm developed to predict the effect of missense changes on protein structure and function (PolyPhen-2) suggests that this variant is likely to be tolerated. In summary, the available evidence is currently insufficient to determine the role of this variant in disease. Therefore, it has been classified as a Variant of Uncertain Significance.

NM_021831.6(AGBL5):c.430G>A (p.Val144Met)

Gene: AGBL5 (AGBL carboxypeptidase 5; plus strand). Cytogenetic location: 2p23.3.
Variant type: single nucleotide variant.
Coding change: c.430G>A on transcript NM_021831.6 (MANE Select); coding-DNA position 430, G replaced by A.
Protein change: p.Val144Met; replaces valine 144 with methionine.
Molecular consequence: missense variant. On other transcripts: non-coding transcript variant (2).
Genome position (GRCh38, 1-based): chr2:27,053,938, G>A. VCF-style: chr2-27053938-G-A. GRCh37 (hg19) VCF-style: chr2-27276806-G-A.
Other names: c.430G>A, p.Val144Met (NM_001035507.3); c.430G>A (NM_021831.5); short protein forms V144M.
Identifiers: ClinVar variation 1371880 (VCV001371880.11), dbSNP rs3739090, ClinGen allele CA1567634.